The following is an entry in ClinVar:

ClinVar aggregate classification (germline): Likely benign (0 of 4 stars; one submission).

Conditions:
CDH4-related disorder. Also called: CDH4-related condition.

Allele frequency attached by ClinVar (database versions not stated): ExAC 0.00009; gnomAD 0.00099; TOPMed 0.00114; 1000 Genomes Project 0.00120; 1000 Genomes Project 30x 0.00141.
gnomAD v4.1: 252 of 1,289,142 alleles (0.02%); highest among the groups gnomAD compares: African/African-American, 0.33%; no homozygotes.

Submission:

PreventionGenetics, part of Exact Sciences
Classification: Likely benign for CDH4-related condition. Last evaluated: 2023-06-05. Review status: no assertion criteria provided. Collection method: clinical testing. Allele origin: germline.
Comment: This variant is classified as likely benign based on ACMG/AMP sequence variant interpretation guidelines (Richards et al. 2015 PMID: 25741868, with internal and published modifications).

NM_001794.5(CDH4):c.170-244074G>T

Gene: CDH4 (cadherin 4; plus strand). Cytogenetic location: 20q13.33.
Variant type: single nucleotide variant.
Coding change: c.170-244074G>T on transcript NM_001794.5 (MANE Select); 244074 bases into the intron before coding-DNA position 170, G replaced by T.
Molecular consequence: intron variant. On other transcripts: nonsense (1).
Genome position (GRCh38, 1-based): chr20:61,499,489, G>T. VCF-style: chr20-61499489-G-T. GRCh37 (hg19) VCF-style: chr20-60074545-G-T.
Other names: c.55G>T, p.Glu19Ter (NM_001252338.2); short protein forms E19*.
Identifiers: ClinVar variation 3039775 (VCV003039775.2), dbSNP rs560532547, ClinGen allele CA9934227.